The following is an entry in ClinVar:

ClinVar aggregate classification (germline): Uncertain significance (1 of 4 stars; one submission).

Conditions:
Hereditary cancer-predisposing syndrome. Also called: Neoplastic Syndromes, Hereditary; Tumor predisposition; Hereditary Cancer Syndrome; Hereditary neoplastic syndrome. Identifiers: Orphanet 140162, MedGen C0027672, MeSH D009386, MONDO:0015356.

Submission:

Ambry Genetics
Classification: Uncertain significance for Hereditary cancer-predisposing syndrome. Last evaluated: 2025-10-22. Review status: criteria provided, single submitter. Criteria: Ambry Variant Classification Scheme 2023. Collection method: clinical testing. Allele origin: germline.
Comment: The p.Q288E variant (also known as c.862C>G), located in coding exon 6 of the NTHL1 gene, results from a C to G substitution at nucleotide position 862. The glutamine at codon 288 is replaced by glutamic acid, an amino acid with highly similar properties. This amino acid position is conserved. In addition, the in silico prediction for this alteration is inconclusive. Based on the available evidence, the clinical significance of this variant remains unclear.

NM_002528.7(NTHL1):c.838C>G (p.Gln280Glu)

Gene: NTHL1 (nth like DNA glycosylase 1; minus strand). Cytogenetic location: 16p13.3.
Variant type: single nucleotide variant.
Coding change: c.838C>G on transcript NM_002528.7 (MANE Select); coding-DNA position 838, C replaced by G.
Protein change: p.Gln280Glu; replaces glutamine 280 with glutamic acid.
Molecular consequence: missense variant.
Genome position (GRCh38, 1-based): chr16:2,040,001, G>C on the plus strand (C>G on the coding strand, the complement: NTHL1 is on the minus strand). VCF-style: chr16-2040001-G-C. GRCh37 (hg19) VCF-style: chr16-2090002-G-C.
Other names: c.667C>G, p.Gln223Glu (NM_001318193.2); c.508C>G, p.Gln170Glu (NM_001318194.2); short protein forms Q223E, Q170E, Q280E.
Identifiers: ClinVar variation 4662296 (VCV004662296.1).